The following is an entry in ClinVar:

NM_006206.6(PDGFRA):c.2561G>T (p.Ser854Ile)

Gene: PDGFRA (platelet derived growth factor receptor alpha; plus strand). Cytogenetic location: 4q12.
Variant type: single nucleotide variant.
Coding change: c.2561G>T on transcript NM_006206.6 (MANE Select); coding-DNA position 2561, G replaced by T.
Protein change: p.Ser854Ile; replaces serine 854 with isoleucine.
Molecular consequence: missense variant.
Genome position (GRCh38, 1-based): chr4:54,285,962, G>T. VCF-style: chr4-54285962-G-T. GRCh37 (hg19) VCF-style: chr4-55152129-G-T.
Other names: c.2636G>T, p.Ser879Ile (NM_001347828.2); c.2561G>T, p.Ser854Ile (NM_001347829.2); c.2600G>T, p.Ser867Ile (NM_001347830.2); short protein forms S879I, S854I, S867I.
Identifiers: ClinVar variation 4843858 (VCV004843858.1).
Genomic context (GRCh38, chr4:54,285,962, plus strand): 5'-TCTGTGACTTTGGCCTGGCCAGAGACATCATGCATGATTCGAACTATGTGTCGAAAGGCA[G>T]TGTACGTCCTCACTTCCCTCACTGGTCAGGCTCATCCTCCTTCACTTTAATCTCTAAAGT-3'
Protein context (NP_006197.1, residues 844-864): MHDSNYVSKG[Ser854Ile]TFLPVKWMAP

ClinVar aggregate classification (germline): Uncertain significance (1 of 4 stars; one submission).

Conditions:
Hereditary cancer-predisposing syndrome. Also called: Neoplastic Syndromes, Hereditary; Tumor predisposition; Hereditary Cancer Syndrome; Hereditary neoplastic syndrome. Identifiers: Orphanet 140162, MedGen C0027672, MeSH D009386, MONDO:0015356.

Submission:

Ambry Genetics
Classification: Uncertain significance for Hereditary cancer-predisposing syndrome. Last evaluated: 2025-12-21. Review status: criteria provided, single submitter. Criteria: Ambry Variant Classification Scheme 2023. Collection method: clinical testing. Allele origin: germline.
Comment: The p.S854I variant (also known as c.2561G>T), located in coding exon 17 of the PDGFRA gene, results from a G to T substitution at nucleotide position 2561. The serine at codon 854 is replaced by isoleucine, an amino acid with dissimilar properties. This amino acid position is conserved. In addition, this alteration is predicted to be deleterious by in silico analysis. Based on the available evidence, the clinical significance of this variant remains unclear.